The following is an entry in ClinVar:

ClinVar aggregate classification (germline): Uncertain significance (1 of 4 stars; one submission).

Conditions:
Muscular dystrophy-dystroglycanopathy (congenital with brain and eye anomalies), type a, 8 (MDDGA8). Also called: WALKER-WARBURG SYNDROME OR MUSCLE-EYE-BRAIN DISEASE, GTDC2-RELATED. Identifiers: Orphanet 899, MedGen C3553813, MONDO:0013904, OMIM 614830.

Submission:

Labcorp Genetics (formerly Invitae), Labcorp
Classification: Uncertain significance for Muscular dystrophy-dystroglycanopathy (congenital with brain and eye anomalies), type a, 8. Last evaluated: 2021-12-28. Review status: criteria provided, single submitter. Criteria: Invitae Variant Classification Sherloc (09022015). Collection method: clinical testing. Allele origin: germline.
Comment: In summary, the available evidence is currently insufficient to determine the role of this variant in disease. Therefore, it has been classified as a Variant of Uncertain Significance. Algorithms developed to predict the effect of missense changes on protein structure and function are either unavailable or do not agree on the potential impact of this missense change (SIFT: "Deleterious"; PolyPhen-2: "Possibly Damaging"; Align-GVGD: "Class C0"). This variant has not been reported in the literature in individuals affected with POMGNT2-related conditions. This variant is present in population databases (rs780708086, gnomAD 0.01%). This sequence change replaces methionine, which is neutral and non-polar, with leucine, which is neutral and non-polar, at codon 194 of the POMGNT2 protein (p.Met194Leu).

NM_032806.6(POMGNT2):c.580A>T (p.Met194Leu)

Gene: POMGNT2 (protein O-linked mannose N-acetylglucosaminyltransferase 2 (beta 1,4-); minus strand). Cytogenetic location: 3p22.1.
Variant type: single nucleotide variant.
Coding change: c.580A>T on transcript NM_032806.6 (MANE Select); coding-DNA position 580, A replaced by T.
Protein change: p.Met194Leu; replaces methionine 194 with leucine.
Molecular consequence: missense variant.
Genome position (GRCh38, 1-based): chr3:43,080,852, T>A on the plus strand (A>T on the coding strand, the complement: POMGNT2 is on the minus strand). VCF-style: chr3-43080852-T-A. GRCh37 (hg19) VCF-style: chr3-43122344-T-A.
Other names: short protein forms M194L.
Identifiers: ClinVar variation 2138990 (VCV002138990.4), dbSNP rs780708086, ClinGen allele CA2340035.
Genomic context (GRCh38, chr3:43,080,852, plus strand): 5'-GCTGCTTGGGGCTGAGCAGCTTGTAGAGGTCGAAGTGTGCACCCTCGCCCCAGCCCTCCA[T>A]GAAGAAGAGCCGTGCCTCGTGGGCCAGGCCGGGAAACTGCCGCAGGGTGTAGAAGAGTGG-3'
Protein context (NP_116195.2, residues 184-204): GLAHEARLFF[Met194Leu]EGWGEGAHFD